The following is an entry in ClinVar:

NM_178857.6(RP1L1):c.2374C>G (p.Leu792Val)

Gene: RP1L1 (RP1 like 1). Cytogenetic location: 8p23.1.
Variant type: single nucleotide variant.
Coding change: c.2374C>G on transcript NM_178857.6 (MANE Select); coding-DNA position 2374, C replaced by G.
Protein change: p.Leu792Val; replaces leucine 792 with valine.
Molecular consequence: missense variant.
Genome position (GRCh38, 1-based): chr8:10,611,724, G>C on the plus strand (C>G on the coding strand, the complement: RP1L1 is on the minus strand). VCF-style: chr8-10611724-G-C. GRCh37 (hg19) VCF-style: chr8-10469234-G-C.
Other names: short protein forms L792V.
Identifiers: ClinVar variation 2375374 (VCV002375374.4), dbSNP rs199911505, ClinGen allele CA4624858.

ClinVar aggregate classification (germline): Conflicting classifications of pathogenicity. Review status: criteria provided, conflicting classifications (1 of 4 stars). 3 submissions from 3 submitters: Uncertain significance (2); Benign (1). Last evaluated 2022-11-22.

Conditions:
Inborn genetic diseases. Identifiers: MedGen C0950123, MeSH D030342.

Allele frequency attached by ClinVar (database versions not stated): gnomAD 0.00007; TOPMed 0.00014; 1000 Genomes Project 30x 0.00016; 1000 Genomes Project 0.00020.
gnomAD v4.1: 64 of 1,613,594 alleles (0.004%); highest among the groups gnomAD compares: Admixed American, 0.1%; no homozygotes.

Submissions (3):

GeneDx
Classification: Uncertain significance. Last evaluated: 2022-11-22. Review status: criteria provided, single submitter. Criteria: GeneDx Variant Classification Process June 2021. Collection method: clinical testing. Allele origin: germline. Affected: yes.
Comment: In silico analysis supports that this missense variant does not alter protein structure/function; Has not been previously published as pathogenic or benign to our knowledge

Blueprint Genetics
Classification: Benign. Last evaluated: 2022-09-01. Review status: criteria provided, single submitter. Criteria: ACMG Guidelines, 2015. Collection method: clinical testing. Allele origin: germline.

Ambry Genetics
Classification: Uncertain significance for Inborn genetic diseases. Last evaluated: 2021-07-09. Review status: criteria provided, single submitter. Criteria: Ambry Variant Classification Scheme 2023. Collection method: clinical testing. Allele origin: germline.